The following is an entry in ClinVar:

NM_018668.5(VPS33B):c.680A>C (p.His227Pro)

Gene: VPS33B (VPS33B late endosome and lysosome associated; minus strand). Cytogenetic location: 15q26.1.
Variant type: single nucleotide variant.
Coding change: c.680A>C on transcript NM_018668.5 (MANE Select); coding-DNA position 680, A replaced by C.
Protein change: p.His227Pro; replaces histidine 227 with proline.
Molecular consequence: missense variant.
Genome position (GRCh38, 1-based): chr15:91,006,970, T>G on the plus strand (A>C on the coding strand, the complement: VPS33B is on the minus strand). VCF-style: chr15-91006970-T-G. GRCh37 (hg19) VCF-style: chr15-91550200-T-G.
Other names: c.599A>C, p.His200Pro (NM_001289148.1); c.407A>C, p.His136Pro (NM_001289149.1); short protein forms H200P, H136P, H227P.
Identifiers: ClinVar variation 1995922 (VCV001995922.1), dbSNP rs760894269, ClinGen allele CA7744961.

ClinVar aggregate classification (germline): Uncertain significance (1 of 4 stars; one submission).

gnomAD v4.1: 4 of 1,614,190 alleles (0.00025%); highest among the groups gnomAD compares: Middle Eastern, 0.016%; no homozygotes.

Submission:

Labcorp Genetics (formerly Invitae), Labcorp
Classification: Uncertain significance. Last evaluated: 2022-07-14. Review status: criteria provided, single submitter. Criteria: Invitae Variant Classification Sherloc (09022015). Collection method: clinical testing. Allele origin: germline.
Comment: This sequence change replaces histidine, which is basic and polar, with proline, which is neutral and non-polar, at codon 227 of the VPS33B protein (p.His227Pro). This variant is present in population databases (rs760894269, gnomAD 0.003%). This variant has not been reported in the literature in individuals affected with VPS33B-related conditions. Algorithms developed to predict the effect of missense changes on protein structure and function are either unavailable or do not agree on the potential impact of this missense change (SIFT: "Not Available"; PolyPhen-2: "Possibly Damaging"; Align-GVGD: "Not Available"). In summary, the available evidence is currently insufficient to determine the role of this variant in disease. Therefore, it has been classified as a Variant of Uncertain Significance.